The following is an entry in ClinVar:

ClinVar aggregate classification (germline): Uncertain significance. Review status: criteria provided, multiple submitters, no conflicts (2 of 4 stars). 2 submissions from 2 submitters: Uncertain significance (2). Last evaluated 2026-01-19.

Conditions:
Inborn genetic diseases. Identifiers: MedGen C0950123, MeSH D030342.

Allele frequency attached by ClinVar (database versions not stated): gnomAD exomes 0.00004 and 0.00003; ExAC 0.00005; 1000 Genomes Project 30x 0.00016; gnomAD 0.00003; TOPMed 0.00003; 1000 Genomes Project 0.00020.
gnomAD v4.1: 52 of 1,614,172 alleles (0.0032%); highest among the groups gnomAD compares: Admixed American, 0.005%; no homozygotes.

Submissions (2):

Labcorp Genetics (formerly Invitae), Labcorp
Classification: Uncertain significance. Last evaluated: 2026-01-19. Review status: criteria provided, single submitter. Criteria: Invitae Variant Classification Sherloc (09022015). Collection method: clinical testing. Allele origin: germline.
Comment: This sequence change replaces leucine, which is neutral and non-polar, with phenylalanine, which is neutral and non-polar, at codon 240 of the GTPBP3 protein (p.Leu240Phe). This variant is present in population databases (rs551975550, gnomAD 0.007%). This variant has not been reported in the literature in individuals affected with GTPBP3-related conditions. ClinVar contains an entry for this variant (Variation ID: 1519893). An algorithm developed to predict the effect of missense changes on protein structure and function (PolyPhen-2) suggests that this variant is likely to be tolerated. In summary, the available evidence is currently insufficient to determine the role of this variant in disease. Therefore, it has been classified as a Variant of Uncertain Significance.

Ambry Genetics
Classification: Uncertain significance for Inborn genetic diseases. Last evaluated: 2021-09-09. Review status: criteria provided, single submitter. Criteria: Ambry Variant Classification Scheme 2023. Collection method: clinical testing. Allele origin: germline.

NM_032620.4(GTPBP3):c.665-43C>T

Gene: GTPBP3 (GTP binding protein 3, mitochondrial; plus strand). Cytogenetic location: 19p13.11.
Variant type: single nucleotide variant.
Coding change: c.665-43C>T on transcript NM_032620.4 (MANE Select); 43 bases into the intron before coding-DNA position 665, C replaced by T.
Molecular consequence: intron variant. On other transcripts: missense variant (1).
Genome position (GRCh38, 1-based): chr19:17,339,080, C>T. VCF-style: chr19-17339080-C-T. GRCh37 (hg19) VCF-style: chr19-17449889-C-T.
Other names: c.718C>T, p.Leu240Phe (NM_133644.4); c.731-43C>T (NM_001195422.1); c.665-43C>T (NM_001128855.3); c.718C>T (NM_133644.3); short protein forms L240F.
Identifiers: ClinVar variation 1519893 (VCV001519893.5), dbSNP rs551975550, ClinGen allele CA9293447.